The following is an entry in ClinVar:

NM_000350.3(ABCA4):c.6380C>T (p.Ser2127Phe)

Gene: ABCA4 (ATP binding cassette subfamily A member 4; minus strand). Cytogenetic location: 1p22.1.
Variant type: single nucleotide variant.
Coding change: c.6380C>T on transcript NM_000350.3 (MANE Select); coding-DNA position 6380, C replaced by T.
Protein change: p.Ser2127Phe; replaces serine 2127 with phenylalanine.
Molecular consequence: missense variant.
Genome position (GRCh38, 1-based): chr1:94,001,008, G>A on the plus strand (C>T on the coding strand, the complement: ABCA4 is on the minus strand). VCF-style: chr1-94001008-G-A. GRCh37 (hg19) VCF-style: chr1-94466564-G-A.
Other names: c.6158C>T, p.Ser2053Phe (NM_001425324.1); short protein forms S2127F, S2053F.
Identifiers: ClinVar variation 866942 (VCV000866942.11), dbSNP rs1303289867, ClinGen allele CA341277438.

ClinVar aggregate classification (germline): Conflicting classifications of pathogenicity. Review status: criteria provided, conflicting classifications (1 of 4 stars). 2 submissions from 2 submitters: Pathogenic (1); Uncertain significance (1). Last evaluated 2022-10-04.

Allele frequency attached by ClinVar (database versions not stated): gnomAD exomes below 0.00001; TOPMed below 0.00001.
gnomAD v4.1: 4 of 1,614,142 alleles (0.00025%); highest among the groups gnomAD compares: Non-Finnish European, 0.00034%; no homozygotes.

Submissions (2):

Labcorp Genetics (formerly Invitae), Labcorp
Classification: Pathogenic. Last evaluated: 2022-10-04. Review status: criteria provided, single submitter. Criteria: Invitae Variant Classification Sherloc (09022015). Collection method: clinical testing. Allele origin: germline.
Comment: This sequence change replaces serine, which is neutral and polar, with phenylalanine, which is neutral and non-polar, at codon 2127 of the ABCA4 protein (p.Ser2127Phe). For these reasons, this variant has been classified as Pathogenic. Advanced modeling of protein sequence and biophysical properties (such as structural, functional, and spatial information, amino acid conservation, physicochemical variation, residue mobility, and thermodynamic stability) performed at Invitae indicates that this missense variant is expected to disrupt ABCA4 protein function. ClinVar contains an entry for this variant (Variation ID: 866942). This missense change has been observed in individual(s) with Stargardt disease (PMID: 32619608, 32783370). In at least one individual the data is consistent with being in trans (on the opposite chromosome) from a pathogenic variant. This variant is present in population databases (no rsID available, gnomAD 0.007%).

Blueprint Genetics
Classification: Uncertain significance. Last evaluated: 2020-05-22. Review status: criteria provided, single submitter. Criteria: ACMG Guidelines, 2015. Collection method: clinical testing. Allele origin: germline.

Literature cited by the submitters: PubMed 32619608 (cited by Labcorp Genetics (formerly Invitae), Labcorp); PubMed 32783370 (cited by Labcorp Genetics (formerly Invitae), Labcorp).